The following is an entry in ClinVar:

ClinVar aggregate classification (germline): Likely benign (0 of 4 stars; one submission).

Conditions:
PIEZO1-related disorder. Also called: PIEZO1-Related Disorders; PIEZO1-related condition.

Allele frequency attached by ClinVar (database versions not stated): gnomAD exomes 0.00001; TOPMed 0.00004; gnomAD 0.00005; 1000 Genomes Project 30x 0.00031.
gnomAD v4.1: 17 of 1,538,478 alleles (0.0011%); highest among the groups gnomAD compares: African/African-American, 0.021%; no homozygotes.

Submission:

PreventionGenetics, part of Exact Sciences
Classification: Likely benign for PIEZO1-related condition. Last evaluated: 2020-01-31. Review status: no assertion criteria provided. Collection method: clinical testing. Allele origin: germline.
Comment: This variant is classified as likely benign based on ACMG/AMP sequence variant interpretation guidelines (Richards et al. 2015 PMID: 25741868, with internal and published modifications).

NM_001142864.4(PIEZO1):c.4725C>T (p.Ala1575=)

Gene: PIEZO1 (piezo type mechanosensitive ion channel component 1 (Er blood group); minus strand). Cytogenetic location: 16q24.3.
Variant type: single nucleotide variant.
Coding change: c.4725C>T on transcript NM_001142864.4 (MANE Select); coding-DNA position 4725, C replaced by T.
Protein change: p.Ala1575=; no amino-acid change (alanine 1575 retained).
Molecular consequence: synonymous variant.
Genome position (GRCh38, 1-based): chr16:88,722,633, G>A on the plus strand (C>T on the coding strand, the complement: PIEZO1 is on the minus strand). VCF-style: chr16-88722633-G-A. GRCh37 (hg19) VCF-style: chr16-88789041-G-A.
Other names: c.3267C>T, p.Ala1089= (NM_014745.1).
Identifiers: ClinVar variation 3052019 (VCV003052019.2), dbSNP rs188534149, ClinGen allele CA286409897.